The following is an entry in ClinVar:

ClinVar aggregate classification (germline): Pathogenic. Review status: criteria provided, single submitter (1 of 4 stars). 2 submissions from 2 submitters: Pathogenic (1). 1 of the submissions does not count toward it. Last evaluated 2022-03-23.

Conditions:
Deficiency of butyryl-CoA dehydrogenase (ACADSD). Also called: ACYL-CoA DEHYDROGENASE, SHORT-CHAIN, DEFICIENCY OF; ACADS DEFICIENCY; SCADH DEFICIENCY; SCAD DEFICIENCY, MILD; SCAD Deficiency; Short-Chain Acyl-CoA Dehydrogenase Deficiency. Identifiers: Orphanet 26792, MedGen C0342783, MONDO:0008722, OMIM 201470. Disease mechanism: May be benign.

Allele frequency attached by ClinVar (database versions not stated): gnomAD below 0.00001 and 0.00001; gnomAD exomes 0.00001; ExAC 0.00002; 1000 Genomes Project 30x 0.00016; 1000 Genomes Project 0.00020.
gnomAD v4.1: 6 of 1,613,082 alleles (0.00037%); highest among the groups gnomAD compares: South Asian, 0.0066%; no homozygotes.

Submissions (2):

Labcorp Genetics (formerly Invitae), Labcorp
Classification: Pathogenic for Deficiency of butyryl-CoA dehydrogenase. Last evaluated: 2022-03-23. Review status: criteria provided, single submitter. Criteria: Invitae Variant Classification Sherloc (09022015). Collection method: clinical testing. Allele origin: germline.
Comment: For these reasons, this variant has been classified as Pathogenic. This variant disrupts a region of the ACADS protein in which other variant(s) (p.Arg386Cys) have been determined to be pathogenic (PMID: 16906473; Invitae). This suggests that this is a clinically significant region of the protein, and that variants that disrupt it are likely to be disease-causing. ClinVar contains an entry for this variant (Variation ID: 370099). This variant has not been reported in the literature in individuals affected with ACADS-related conditions. This variant is present in population databases (rs541587321, gnomAD 0.007%). This sequence change creates a premature translational stop signal (p.Gln362*) in the ACADS gene. While this is not anticipated to result in nonsense mediated decay, it is expected to disrupt the last 51 amino acid(s) of the ACADS protein.

Counsyl
Classification: Likely pathogenic for Deficiency of butyryl-CoA dehydrogenase. Last evaluated: 2015-11-19. Review status: no assertion criteria provided. Collection method: clinical testing. Allele origin: unknown. Not counted in ClinVar's aggregate classification.

Literature cited by the submitters: PubMed 16906473 (cited by Labcorp Genetics (formerly Invitae), Labcorp).

NM_000017.4(ACADS):c.1084C>T (p.Gln362Ter)

Gene: ACADS (acyl-CoA dehydrogenase short chain; plus strand). Cytogenetic location: 12q24.31.
Variant type: single nucleotide variant.
Coding change: c.1084C>T on transcript NM_000017.4 (MANE Select); coding-DNA position 1084, C replaced by T.
Protein change: p.Gln362Ter; replaces glutamine 362 with a stop codon.
Molecular consequence: nonsense.
Genome position (GRCh38, 1-based): chr12:120,739,194, C>T. VCF-style: chr12-120739194-C-T. GRCh37 (hg19) VCF-style: chr12-121176997-C-T.
Other names: c.1072C>T, p.Gln358Ter (NM_001302554.2); short protein forms Q362*, Q358*.
Identifiers: ClinVar variation 370099 (VCV000370099.8), dbSNP rs541587321, ClinGen allele CA6831204.
Genomic context (GRCh38, chr12:120,739,194, plus strand): 5'-GTTTAGGAGGCAGCCATGGCCAAGCTGGCCGCCTCGGAGGCCGCGACCGCCATCAGCCAC[C>T]AGGTGAGTGTCCACAGTGAGCTCTGAGGGGGCCAGCTGCCCCTTCTCCAGCTTTCCCCAC-3'